The following is an entry in ClinVar:

ClinVar aggregate classification (germline): Uncertain significance (1 of 4 stars; one submission).

Submission:

Labcorp Genetics (formerly Invitae), Labcorp
Classification: Uncertain significance. Last evaluated: 2025-12-01. Review status: criteria provided, single submitter. Criteria: Invitae Variant Classification Sherloc (09022015). Collection method: clinical testing. Allele origin: germline.
Comment: This sequence change replaces asparagine, which is neutral and polar, with serine, which is neutral and polar, at codon 91 of the IL23R protein (p.Asn91Ser). This variant is not present in population databases (gnomAD no frequency). This variant has not been reported in the literature in individuals affected with IL23R-related conditions. ClinVar contains an entry for this variant (Variation ID: 2744147). An algorithm developed to predict the effect of missense changes on protein structure and function outputs the following: PolyPhen-2: "Possibly Damaging". The serine amino acid residue is found in multiple mammalian species, which suggests that this missense change does not adversely affect protein function. In summary, the available evidence is currently insufficient to determine the role of this variant in disease. Therefore, it has been classified as a Variant of Uncertain Significance.

NM_144701.3(IL23R):c.272A>G (p.Asn91Ser)

Gene: IL23R (interleukin 23 receptor; plus strand). Cytogenetic location: 1p31.3.
Variant type: single nucleotide variant.
Coding change: c.272A>G on transcript NM_144701.3 (MANE Select); coding-DNA position 272, A replaced by G.
Protein change: p.Asn91Ser; replaces asparagine 91 with serine.
Molecular consequence: missense variant.
Genome position (GRCh38, 1-based): chr1:67,169,543, A>G. VCF-style: chr1-67169543-A-G. GRCh37 (hg19) VCF-style: chr1-67635226-A-G.
Other names: short protein forms N91S.
Identifiers: ClinVar variation 2744147 (VCV002744147.3), dbSNP rs2525203454, ClinGen allele CA340732546.